The following is an entry in ClinVar:

ClinVar aggregate classification (germline): Uncertain significance (1 of 4 stars; one submission).

Allele frequency attached by ClinVar (database versions not stated): TOPMed below 0.00001; gnomAD 0.00001; gnomAD exomes 0.00002.
gnomAD v4.1: 26 of 1,614,078 alleles (0.0016%); highest among the groups gnomAD compares: Non-Finnish European, 0.0021%; no homozygotes.

Submission:

Women's Health and Genetics/Laboratory Corporation of America, LabCorp
Classification: Uncertain significance. Last evaluated: 2024-03-22. Review status: criteria provided, single submitter. Criteria: LabCorp Variant Classification Summary - May 2015. Collection method: clinical testing. Allele origin: germline.
Comment: Variant summary: SPTB c.6716G>A (p.Arg2239Lys) results in a conservative amino acid change in the encoded protein sequence. Four of four in-silico tools predict a benign effect of the variant on protein function. The variant was absent in 251472 control chromosomes. The available data on variant occurrences in the general population are insufficient to allow any conclusion about variant significance. To our knowledge, no occurrence of c.6716G>A in individuals affected with SPTB-Related Disorders and no experimental evidence demonstrating its impact on protein function have been reported. No submitters have cited clinical-significance assessments for this variant to ClinVar. Based on the evidence outlined above, the variant was classified as uncertain significance.

NM_001355436.2(SPTB):c.6716G>A (p.Arg2239Lys)

Genes: PLEKHG3 (pleckstrin homology and RhoGEF domain containing G3; plus strand), SPTB (spectrin beta, erythrocytic; minus strand). Cytogenetic location: 14q23.3.
Variant type: single nucleotide variant.
Coding change: c.6716G>A on transcript NM_001355436.2 (MANE Select); coding-DNA position 6716, G replaced by A.
Protein change: p.Arg2239Lys; replaces arginine 2239 with lysine.
Molecular consequence: missense variant. On other transcripts: 3 prime UTR variant (1).
Genome position (GRCh38, 1-based): chr14:64,750,041, C>T on the plus strand (G>A on the coding strand, the complement: SPTB is on the minus strand). VCF-style: chr14-64750041-C-T. GRCh37 (hg19) VCF-style: chr14-65216759-C-T.
Other names: c.*6338C>T (NM_001308147.2); c.6716G>A, p.Arg2239Lys (NM_001024858.4); short protein forms R2239K.
Identifiers: ClinVar variation 3233797 (VCV003233797.2), dbSNP rs2081920643, ClinGen allele CA390034601.